The following is an entry in ClinVar:

NM_001114753.3(ENG):c.1669dup (p.Thr557fs)

Genes: ENG (endoglin; minus strand), LOC102723566 (uncharacterized LOC102723566; plus strand). Cytogenetic location: 9q34.11.
Variant type: Duplication.
Coding change: c.1669dup on transcript NM_001114753.3 (MANE Select); coding-DNA position 1669, one base duplicated (A; older notation c.1669dupA).
Protein change: p.Thr557fs; shifts the reading frame from threonine 557.
Molecular consequence: frameshift variant.
Genome position (GRCh38, 1-based): chr9:127,818,137, T duplicated on the plus strand (A on the coding strand, the reverse complement: ENG is on the minus strand). VCF-style (leftmost placement, unchanged base first): chr9-127818136-G-GT. GRCh37 (hg19) VCF-style: chr9-130580415-G-GT.
Other names: p.Thr557Asnfs*10; c.1669dup, p.Thr557fs (NM_000118.4); c.1123dup, p.Thr375fs (NM_001278138.2); short protein forms T557fs, T375fs.
Identifiers: ClinVar variation 4541474 (VCV004541474.1).

ClinVar aggregate classification (germline): Likely pathogenic (1 of 4 stars; one submission).

Submission:

Mayo Clinic Laboratories, Mayo Clinic
Classification: Likely pathogenic. Last evaluated: 2025-09-04. Review status: criteria provided, single submitter. Criteria: ACMG Guidelines, 2015. Collection method: clinical testing. Allele origin: germline. Observed: 1 variant allele.
Comment: PM2_supporting, PVS1